The following is an entry in ClinVar:

NM_014974.3(DIP2C):c.1844G>A (p.Arg615Gln)

Gene: DIP2C (DIP2 acetate--CoA ligase C (putative); minus strand). Cytogenetic location: 10p15.3.
Variant type: single nucleotide variant.
Coding change: c.1844G>A on transcript NM_014974.3 (MANE Select); coding-DNA position 1844, G replaced by A.
Protein change: p.Arg615Gln; replaces arginine 615 with glutamine.
Molecular consequence: missense variant.
Genome position (GRCh38, 1-based): chr10:384,059, C>T on the plus strand (G>A on the coding strand, the complement: DIP2C is on the minus strand). VCF-style: chr10-384059-C-T. GRCh37 (hg19) VCF-style: chr10-429999-C-T.
Other names: short protein forms R615Q.
Identifiers: ClinVar variation 3707446 (VCV003707446.2).

ClinVar aggregate classification (germline): Uncertain significance (1 of 4 stars; one submission).

gnomAD v4.1: 41 of 1,609,742 alleles (0.0025%); highest among the groups gnomAD compares: Non-Finnish European, 0.0031%; no homozygotes.

Submission:

Labcorp Genetics (formerly Invitae), Labcorp
Classification: Uncertain significance. Last evaluated: 2025-10-17. Review status: criteria provided, single submitter. Criteria: Invitae Variant Classification Sherloc (09022015). Collection method: clinical testing. Allele origin: germline.
Comment: This sequence change replaces arginine, which is basic and polar, with glutamine, which is neutral and polar, at codon 615 of the DIP2C protein (p.Arg615Gln). This variant is present in population databases (rs751114503, gnomAD 0.006%). This variant has not been reported in the literature in individuals affected with DIP2C-related conditions. ClinVar contains an entry for this variant (Variation ID: 3707446). An algorithm developed to predict the effect of missense changes on protein structure and function (PolyPhen-2) suggests that this variant is likely to be disruptive. In summary, the available evidence is currently insufficient to determine the role of this variant in disease. Therefore, it has been classified as a Variant of Uncertain Significance.